The following is an entry in ClinVar:

ClinVar aggregate classification (germline): Uncertain significance. Review status: criteria provided, multiple submitters, no conflicts (2 of 4 stars). 2 submissions from 2 submitters: Uncertain significance (2). Last evaluated 2021-12-07.

Conditions:
Chédiak-Higashi syndrome (CHS). Also called: Chediak-Higashi Syndrome. Identifiers: Orphanet 167, MedGen C0007965, MONDO:0008963, OMIM 214500.

Allele frequency attached by ClinVar (database versions not stated): TOPMed below 0.00001; gnomAD exomes 0.00001.
gnomAD v4.1: 8 of 1,612,908 alleles (0.0005%); highest among the groups gnomAD compares: Admixed American, 0.0017%; no homozygotes.

Submissions (2):

Labcorp Genetics (formerly Invitae), Labcorp
Classification: Uncertain significance for Chédiak-Higashi syndrome. Last evaluated: 2021-12-07. Review status: criteria provided, single submitter. Criteria: Invitae Variant Classification Sherloc (09022015). Collection method: clinical testing. Allele origin: germline.
Comment: This sequence change replaces glycine, which is neutral and non-polar, with arginine, which is basic and polar, at codon 2062 of the LYST protein (p.Gly2062Arg). This variant is present in population databases (no rsID available, gnomAD 0.003%). This variant has not been reported in the literature in individuals affected with LYST-related conditions. ClinVar contains an entry for this variant (Variation ID: 874887). Algorithms developed to predict the effect of missense changes on protein structure and function (SIFT, PolyPhen-2, Align-GVGD) all suggest that this variant is likely to be tolerated. In summary, the available evidence is currently insufficient to determine the role of this variant in disease. Therefore, it has been classified as a Variant of Uncertain Significance.

Illumina Laboratory Services, Illumina
Classification: Uncertain significance for Chédiak-Higashi syndrome. Last evaluated: 2018-01-12. Review status: criteria provided, single submitter. Criteria: ICSL Variant Classification Criteria 13 December 2019. Collection method: clinical testing. Allele origin: germline.

NM_000081.4(LYST):c.6184G>A (p.Gly2062Arg)

Gene: LYST (lysosomal trafficking regulator; minus strand). Cytogenetic location: 1q42.3.
Variant type: single nucleotide variant.
Coding change: c.6184G>A on transcript NM_000081.4 (MANE Select); coding-DNA position 6184, G replaced by A.
Protein change: p.Gly2062Arg; replaces glycine 2062 with arginine.
Molecular consequence: missense variant.
Genome position (GRCh38, 1-based): chr1:235,762,789, C>T on the plus strand (G>A on the coding strand, the complement: LYST is on the minus strand). VCF-style: chr1-235762789-C-T. GRCh37 (hg19) VCF-style: chr1-235926089-C-T.
Other names: c.6184G>A, p.Gly2062Arg (NM_001301365.1); short protein forms G2062R.
Identifiers: ClinVar variation 874887 (VCV000874887.7), dbSNP rs1286032322, ClinGen allele CA344945120.
Genomic context (GRCh38, chr1:235,762,789, plus strand): 5'-GTGAAGCAGTAAAACCAGATGGGCTTATTACCATAAATCCAGGGCTCATAAGGGACCTTC[C>T]TCCACTGCTGGAATGCCTCAGGTACATGATTGACCGCACTTTCTCCTGAAAGATCTTGCC-3'
Protein context (NP_000072.2, residues 2052-2072): IMYLRHSSSG[Gly2062Arg]RSLMSPGFMV